The following is an entry in ClinVar:

ClinVar aggregate classification (germline): Uncertain significance (1 of 4 stars; one submission).

Submission:

Labcorp Genetics (formerly Invitae), Labcorp
Classification: Uncertain significance. Last evaluated: 2022-12-31. Review status: criteria provided, single submitter. Criteria: Invitae Variant Classification Sherloc (09022015). Collection method: clinical testing. Allele origin: germline.
Comment: This sequence change replaces alanine, which is neutral and non-polar, with serine, which is neutral and polar, at codon 1475 of the CHD4 protein (p.Ala1475Ser). This variant is not present in population databases (gnomAD no frequency). This variant has not been reported in the literature in individuals affected with CHD4-related conditions. Advanced modeling of protein sequence and biophysical properties (such as structural, functional, and spatial information, amino acid conservation, physicochemical variation, residue mobility, and thermodynamic stability) performed at Invitae indicates that this missense variant is not expected to disrupt CHD4 protein function. In summary, the available evidence is currently insufficient to determine the role of this variant in disease. Therefore, it has been classified as a Variant of Uncertain Significance.

NM_001273.5(CHD4):c.4423G>T (p.Ala1475Ser)

Genes: CHD4 (chromodomain helicase DNA binding protein 4; minus strand), CHD4-AS1 (CHD4 antisense RNA 1; plus strand). Cytogenetic location: 12p13.31.
Variant type: single nucleotide variant.
Coding change: c.4423G>T on transcript NM_001273.5 (MANE Select); coding-DNA position 4423, G replaced by T.
Protein change: p.Ala1475Ser; replaces alanine 1475 with serine.
Molecular consequence: missense variant.
Genome position (GRCh38, 1-based): chr12:6,582,229, C>A on the plus strand (G>T on the coding strand, the complement: CHD4 is on the minus strand). VCF-style: chr12-6582229-C-A. GRCh37 (hg19) VCF-style: chr12-6691395-C-A.
Other names: c.4402G>T, p.Ala1468Ser (NM_001297553.2); c.4384G>T, p.Ala1462Ser (NM_001363606.2); short protein forms A1468S, A1475S, A1462S.
Identifiers: ClinVar variation 2825146 (VCV002825146.3), dbSNP rs2540381366, ClinGen allele CA383572558.